The following is an entry in ClinVar:

NM_000301.5(PLG):c.1675C>T (p.Gln559Ter)

Gene: PLG (plasminogen; plus strand). Cytogenetic location: 6q26.
Variant type: single nucleotide variant.
Coding change: c.1675C>T on transcript NM_000301.5 (MANE Select); coding-DNA position 1675, C replaced by T.
Protein change: p.Gln559Ter; replaces glutamine 559 with a stop codon.
Molecular consequence: nonsense.
Genome position (GRCh38, 1-based): chr6:160,734,082, C>T. VCF-style: chr6-160734082-C-T. GRCh37 (hg19) VCF-style: chr6-161155114-C-T.
Other names: short protein forms Q559*.
Identifiers: ClinVar variation 4747550 (VCV004747550.1).

ClinVar aggregate classification (germline): Pathogenic (1 of 4 stars; one submission).

gnomAD v4.1: 1 of 1,587,736 alleles (0.000063%); highest among the groups gnomAD compares: Non-Finnish European, 0.000086%; no homozygotes.

Submission:

Labcorp Genetics (formerly Invitae), Labcorp
Classification: Pathogenic. Last evaluated: 2025-04-02. Review status: criteria provided, single submitter. Criteria: Invitae Variant Classification Sherloc (09022015). Collection method: clinical testing. Allele origin: germline.
Comment: This sequence change creates a premature translational stop signal (p.Gln559*) in the PLG gene. It is expected to result in an absent or disrupted protein product. Loss-of-function variants in PLG are known to be pathogenic (PMID: 16849641). This variant is present in population databases (no rsID available, gnomAD 0.0009%). This premature translational stop signal has been observed in individual(s) with plasminogen deficiency (PMID: 16849641). This variant is also known as Q540X. Algorithms developed to predict the effect of sequence changes on RNA splicing suggest that this variant may disrupt the consensus splice site. For these reasons, this variant has been classified as Pathogenic.

Literature cited by the submitters: PubMed 16849641.